The following is an entry in ClinVar:

NM_004646.4(NPHS1):c.2053G>T (p.Gly685Cys)

Gene: NPHS1 (NPHS1 adhesion molecule, nephrin; minus strand). Cytogenetic location: 19q13.12.
Variant type: single nucleotide variant.
Coding change: c.2053G>T on transcript NM_004646.4 (MANE Select); coding-DNA position 2053, G replaced by T.
Protein change: p.Gly685Cys; replaces glycine 685 with cysteine.
Molecular consequence: missense variant.
Genome position (GRCh38, 1-based): chr19:35,844,337, C>A on the plus strand (G>T on the coding strand, the complement: NPHS1 is on the minus strand). VCF-style: chr19-35844337-C-A. GRCh37 (hg19) VCF-style: chr19-36335239-C-A.
Other names: short protein forms G685C.
Identifiers: ClinVar variation 1958334 (VCV001958334.3), dbSNP rs1973104663, ClinGen allele CA405397742.

ClinVar aggregate classification (germline): Uncertain significance. Review status: criteria provided, multiple submitters, no conflicts (2 of 4 stars). 2 submissions from 2 submitters: Uncertain significance (2). Last evaluated 2023-06-30.

gnomAD v4.1: 1 of 1,613,920 alleles (0.000062%); highest among the groups gnomAD compares: Non-Finnish European, 0.000085%; no homozygotes.

Submissions (2):

Blueprint Genetics
Classification: Uncertain significance. Last evaluated: 2023-06-30. Review status: criteria provided, single submitter. Criteria: ACMG Guidelines, 2015. Collection method: clinical testing. Allele origin: germline.

Labcorp Genetics (formerly Invitae), Labcorp
Classification: Uncertain significance. Last evaluated: 2021-08-31. Review status: criteria provided, single submitter. Criteria: Invitae Variant Classification Sherloc (09022015). Collection method: clinical testing. Allele origin: germline.
Comment: This sequence change replaces glycine with cysteine at codon 685 of the NPHS1 protein (p.Gly685Cys). The glycine residue is highly conserved and there is a large physicochemical difference between glycine and cysteine. This variant is not present in population databases (ExAC no frequency). This variant has not been reported in the literature in individuals affected with NPHS1-related conditions. Advanced modeling of protein sequence and biophysical properties (such as structural, functional, and spatial information, amino acid conservation, physicochemical variation, residue mobility, and thermodynamic stability) performed at Invitae indicates that this missense variant is expected to disrupt NPHS1 protein function. In summary, the available evidence is currently insufficient to determine the role of this variant in disease. Therefore, it has been classified as a Variant of Uncertain Significance.